The following is an entry in ClinVar:

NM_001127208.3(TET2):c.1484C>G (p.Thr495Arg)

Genes: TET2 (tet methylcytosine dioxygenase 2; plus strand), TET2-AS1 (TET2 antisense RNA 1; minus strand). Cytogenetic location: 4q24.
Variant type: single nucleotide variant.
Coding change: c.1484C>G on transcript NM_001127208.3 (MANE Select); coding-DNA position 1484, C replaced by G.
Protein change: p.Thr495Arg; replaces threonine 495 with arginine.
Molecular consequence: missense variant.
Genome position (GRCh38, 1-based): chr4:105,235,426, C>G. VCF-style: chr4-105235426-C-G. GRCh37 (hg19) VCF-style: chr4-106156583-C-G.
Other names: c.1484C>G, p.Thr495Arg (NM_017628.4); short protein forms T495R.
Identifiers: ClinVar variation 4182980 (VCV004182980.1).

ClinVar aggregate classification (germline): Uncertain significance (1 of 4 stars; one submission).

gnomAD v4.1: 6 of 1,614,200 alleles (0.00037%); highest among the groups gnomAD compares: Non-Finnish European, 0.00051%; no homozygotes.

Submission:

Ambry Genetics
Classification: Uncertain significance. Last evaluated: 2025-07-19. Review status: criteria provided, single submitter. Criteria: Ambry Variant Classification Scheme 2023. Collection method: clinical testing. Allele origin: germline.
Comment: The p.T495R variant (also known as c.1484C>G), located in coding exon 1 of the TET2 gene, results from a C to G substitution at nucleotide position 1484. The threonine at codon 495 is replaced by arginine, an amino acid with similar properties. This amino acid position is conserved. In addition, this alteration is predicted to be tolerated by in silico analysis. Based on the available evidence, the clinical significance of this variant remains unclear.